The following is an entry in ClinVar:

NM_001164508.2(NEB):c.11010dup (p.Phe3671fs)

Gene: NEB (nebulin; minus strand). Cytogenetic location: 2q23.3.
Variant type: Duplication.
Coding change: c.11010dup on transcript NM_001164508.2 (MANE Select); coding-DNA position 11010, one base duplicated (A; older notation c.11010dupA).
Protein change: p.Phe3671fs; shifts the reading frame from phenylalanine 3671.
Molecular consequence: frameshift variant.
Genome position (GRCh38, 1-based): chr2:151,618,341, T duplicated on the plus strand (A on the coding strand, the reverse complement: NEB is on the minus strand); the first of 3 consecutive T bases (chr2:151,618,341-151,618,343); duplicating any one gives the same sequence. VCF-style (leftmost placement, unchanged base first): chr2-151618340-A-AT. GRCh37 (hg19) VCF-style: chr2-152474854-A-AT.
Other names: c.11010dup, p.Phe3671fs (NM_001164507.2, NM_001271208.2); c.10281dup, p.Phe3428fs (NM_004543.5); short protein forms F3671fs, F3428fs.
Identifiers: ClinVar variation 955019 (VCV000955019.7), dbSNP rs2098273867, ClinGen allele CA1139657244.
Genomic context (GRCh38, chr2:151,618,340, plus strand): 5'-TCATGTTTAAAGCATTGTTTTTTGCCAGCACCTGCTCCGGAGTGTCCGTTATACTGGTAA[A>AT]TTTCAGCGTTTCTGGACGCTGACGGTAGATAGTATCACTAAGTAATTCTCCAGCTCTCTT-3'

ClinVar aggregate classification (germline): Pathogenic (1 of 4 stars; one submission).

Conditions:
Nemaline myopathy 2 (NEM2). Also called: Nemaline myopathy 2, autosomal recessive. Identifiers: MedGen C1850569, MONDO:0009725, OMIM 256030.

Submission:

Labcorp Genetics (formerly Invitae), Labcorp
Classification: Pathogenic for Nemaline myopathy 2. Last evaluated: 2019-08-17. Review status: criteria provided, single submitter. Criteria: Invitae Variant Classification Sherloc (09022015). Collection method: clinical testing. Allele origin: germline.
Comment: For these reasons, this variant has been classified as Pathogenic. Loss-of-function variants in NEB are known to be pathogenic (PMID: 25205138). This variant has not been reported in the literature in individuals with NEB-related conditions. This variant is not present in population databases (ExAC no frequency). This sequence change creates a premature translational stop signal (p.Phe3671Ilefs*22) in the NEB gene. It is expected to result in an absent or disrupted protein product.

Literature cited by the submitters: PubMed 25205138.